The following is an entry in ClinVar:

ClinVar aggregate classification (germline): Uncertain significance (1 of 4 stars; one submission).

Conditions:
Familial temporal lobe epilepsy 7. Identifiers: Orphanet 101046, MedGen C4225327, MONDO:0014639, OMIM 616436.
Norman-Roberts syndrome (LIS2). Also called: Lissencephaly 2 (Norman-Roberts type). Identifiers: Orphanet 89844, MedGen C0796089, MONDO:0009760, OMIM 257320.

Allele frequency attached by ClinVar (database versions not stated): ExAC 0.00001; gnomAD 0.00001; TOPMed 0.00001; ESP Exome Variant Server 0.00008.
gnomAD v4.1: 2 of 1,613,966 alleles (0.00012%); highest among the groups gnomAD compares: African/African-American, 0.0027%; no homozygotes.

Submission:

Labcorp Genetics (formerly Invitae), Labcorp
Classification: Uncertain significance for Familial temporal lobe epilepsy 7; Norman-Roberts syndrome. Last evaluated: 2023-12-16. Review status: criteria provided, single submitter. Criteria: Invitae Variant Classification Sherloc (09022015). Collection method: clinical testing. Allele origin: germline.
Comment: This sequence change replaces glycine, which is neutral and non-polar, with alanine, which is neutral and non-polar, at codon 3117 of the RELN protein (p.Gly3117Ala). This variant is not present in population databases (gnomAD no frequency). This variant has not been reported in the literature in individuals affected with RELN-related conditions. ClinVar contains an entry for this variant (Variation ID: 1525056). Advanced modeling of protein sequence and biophysical properties (such as structural, functional, and spatial information, amino acid conservation, physicochemical variation, residue mobility, and thermodynamic stability) performed at Invitae indicates that this missense variant is not expected to disrupt RELN protein function with a negative predictive value of 80%. In summary, the available evidence is currently insufficient to determine the role of this variant in disease. Therefore, it has been classified as a Variant of Uncertain Significance.

NM_005045.4(RELN):c.9350G>C (p.Gly3117Ala)

Genes: RELN (reelin; minus strand), SLC26A5-AS1 (SLC26A5 antisense RNA 1; plus strand). Cytogenetic location: 7q22.1.
Variant type: single nucleotide variant.
Coding change: c.9350G>C on transcript NM_005045.4 (MANE Select); coding-DNA position 9350, G replaced by C.
Protein change: p.Gly3117Ala; replaces glycine 3117 with alanine.
Molecular consequence: missense variant.
Genome position (GRCh38, 1-based): chr7:103,495,742, C>G on the plus strand (G>C on the coding strand, the complement: RELN is on the minus strand). VCF-style: chr7-103495742-C-G. GRCh37 (hg19) VCF-style: chr7-103136189-C-G.
Other names: c.9350G>C, p.Gly3117Ala (NM_173054.3); short protein forms G3117A.
Identifiers: ClinVar variation 1525056 (VCV001525056.6), dbSNP rs376611357, ClinGen allele CA4420250.